The following is an entry in ClinVar:

NM_000091.5(COL4A3):c.1040A>T (p.Tyr347Phe)

Genes: MFF-DT (MFF divergent transcript; minus strand), COL4A3 (collagen type IV alpha 3 chain; plus strand). Cytogenetic location: 2q36.3.
Variant type: single nucleotide variant.
Coding change: c.1040A>T on transcript NM_000091.5 (MANE Select); coding-DNA position 1040, A replaced by T.
Protein change: p.Tyr347Phe; replaces tyrosine 347 with phenylalanine.
Molecular consequence: missense variant.
Genome position (GRCh38, 1-based): chr2:227,259,803, A>T. VCF-style: chr2-227259803-A-T. GRCh37 (hg19) VCF-style: chr2-228124519-A-T.
Other names: short protein forms Y347F.
Identifiers: ClinVar variation 4540419 (VCV004540419.1).

ClinVar aggregate classification (germline): Uncertain significance (1 of 4 stars; one submission).

Conditions:
Autosomal dominant Alport syndrome (ATS3A). Also called: ALPORT SYNDROME 3A, AUTOSOMAL DOMINANT; Alport syndrome dominant type; Renal failure and sensorineural hearing loss. Identifiers: Orphanet 63, Orphanet 88918, MedGen C5882663, MONDO:0007086, OMIM 104200.

Submission:

MVZ Medizinische Genetik Mainz
Classification: Uncertain significance for Autosomal dominant Alport syndrome. Last evaluated: 2025-12-01. Review status: criteria provided, single submitter. Criteria: UK Practice Guidelines For Variant Classification V4 01 2020. Collection method: clinical testing. Allele origin: germline. Inheritance: Autosomal dominant inheritance. Affected: yes. Observed: 1 variant allele.
Comment: ACMG Criteria: PM2_SUP,PP4